The following is an entry in ClinVar:

NM_001875.5(CPS1):c.521G>A (p.Arg174Gln)

Gene: CPS1 (carbamoyl-phosphate synthase 1; plus strand). Cytogenetic location: 2q34.
Variant type: single nucleotide variant.
Coding change: c.521G>A on transcript NM_001875.5 (MANE Select); coding-DNA position 521, G replaced by A.
Protein change: p.Arg174Gln; replaces arginine 174 with glutamine.
Molecular consequence: missense variant. On other transcripts: non-coding transcript variant (1).
Genome position (GRCh38, 1-based): chr2:210,579,763, G>A. VCF-style: chr2-210579763-G-A. GRCh37 (hg19) VCF-style: chr2-211444487-G-A.
Other names: c.521G>A, p.Arg174Gln (NM_001122633.3, NM_001369257.1); c.554G>A, p.Arg185Gln (NM_001369256.1); short protein forms R185Q, R174Q.
Identifiers: ClinVar variation 2197692 (VCV002197692.4), dbSNP rs1414655377, ClinGen allele CA350425938.

ClinVar aggregate classification (germline): Uncertain significance. Review status: criteria provided, multiple submitters, no conflicts (2 of 4 stars). 3 submissions from 3 submitters: Uncertain significance (3). Last evaluated 2024-05-13.

Conditions:
Congenital hyperammonemia, type I. Also called: CPS I DEFICIENCY; Carbamoyl-phosphate synthase I deficiency; Carbamoyl phosphate synthetase 1 deficiency; Hyperammonemia due to carbamoyl phosphate synthetase 1 deficiency; CPS 1 deficiency; Carbamyl phosphate synthetase (CPS) deficiency. Identifiers: Orphanet 147, MedGen C4082171, MONDO:0009376, OMIM 237300.

Allele frequency attached by ClinVar (database versions not stated): TOPMed below 0.00001; gnomAD 0.00001.
gnomAD v4.1: 4 of 1,611,900 alleles (0.00025%); highest among the groups gnomAD compares: Non-Finnish European, 0.00025%; no homozygotes.

Submissions (3):

Labcorp Genetics (formerly Invitae), Labcorp
Classification: Uncertain significance for Congenital hyperammonemia, type I. Last evaluated: 2024-05-13. Review status: criteria provided, single submitter. Criteria: Invitae Variant Classification Sherloc (09022015). Collection method: clinical testing. Allele origin: germline.
Comment: This sequence change replaces arginine, which is basic and polar, with glutamine, which is neutral and polar, at codon 174 of the CPS1 protein (p.Arg174Gln). This variant is not present in population databases (gnomAD no frequency). This variant has not been reported in the literature in individuals affected with CPS1-related conditions. ClinVar contains an entry for this variant (Variation ID: 2197692). Advanced modeling of protein sequence and biophysical properties (such as structural, functional, and spatial information, amino acid conservation, physicochemical variation, residue mobility, and thermodynamic stability) has been performed at Invitae for this missense variant, however the output from this modeling did not meet the statistical confidence thresholds required to predict the impact of this variant on CPS1 protein function. In summary, the available evidence is currently insufficient to determine the role of this variant in disease. Therefore, it has been classified as a Variant of Uncertain Significance.

Genomic Medicine Center of Excellence, King Faisal Specialist Hospital and Research Centre
Classification: Uncertain significance for Congenital hyperammonemia, type I. Last evaluated: 2024-03-29. Review status: criteria provided, single submitter. Criteria: ACMG Guidelines, 2015. Collection method: clinical testing. Allele origin: germline.

GeneDx
Classification: Uncertain significance. Last evaluated: 2022-12-22. Review status: criteria provided, single submitter. Criteria: GeneDx Variant Classification Process June 2021. Collection method: clinical testing. Allele origin: germline. Affected: yes.
Comment: Not observed at significant frequency in large population cohorts (gnomAD); Missense variants in this gene are often considered pathogenic (HGMD); In silico analysis supports that this missense variant has a deleterious effect on protein structure/function; Has not been previously published as pathogenic or benign to our knowledge; This variant is associated with the following publications: (PMID: 24077912)